The following is an entry in ClinVar:

ClinVar aggregate classification (germline): Pathogenic (1 of 4 stars; one submission).

Submission:

Labcorp Genetics (formerly Invitae), Labcorp
Classification: Pathogenic. Last evaluated: 2023-05-12. Review status: criteria provided, single submitter. Criteria: Invitae Variant Classification Sherloc (09022015). Collection method: clinical testing. Allele origin: germline.
Comment: For these reasons, this variant has been classified as Pathogenic. This variant has not been reported in the literature in individuals affected with ATF6-related conditions. This variant is not present in population databases (gnomAD no frequency). This sequence change creates a premature translational stop signal (p.Ala386Hisfs*3) in the ATF6 gene. It is expected to result in an absent or disrupted protein product. Loss-of-function variants in ATF6 are known to be pathogenic (PMID: 26029869, 26063662, 26070061).

Literature cited by the submitters: PubMed 26029869; PubMed 26063662; PubMed 26070061.

NM_007348.4(ATF6):c.1156del (p.Ala386fs)

Gene: ATF6 (activating transcription factor 6; plus strand). Cytogenetic location: 1q23.3.
Variant type: Deletion.
Coding change: c.1156del on transcript NM_007348.4 (MANE Select); coding-DNA position 1156, one base deleted (G; older notation c.1156delG).
Protein change: p.Ala386fs; shifts the reading frame from alanine 386.
Molecular consequence: frameshift variant.
Genome position (GRCh38, 1-based): chr1:161,821,130, G deleted; the last of 2 consecutive G bases (chr1:161,821,129-161,821,130); deleting either gives the same sequence. VCF-style (leftmost placement, unchanged base first): chr1-161821128-TG-T. GRCh37 (hg19) VCF-style: chr1-161790918-TG-T.
Other names: c.1156del, p.Ala386fs (NM_001410890.1); short protein forms A386fs.
Identifiers: ClinVar variation 2863567 (VCV002863567.3), dbSNP rs2525244739, ClinGen allele CA2648813673.
Genomic context (GRCh38, chr1:161,821,128, plus strand): 5'-AGAACCAGAGGCTTAAAGTCCCTAGTCCAAAGCGAAGAGTTGTCTGTGTGATGATAGTAT[TG>T]GCATTTATAATACTGAACTATGGACCTATGAGGTAAGTGAATAGATATTTATTTTGGACA-3'